The following is an entry in ClinVar:

ClinVar aggregate classification (germline): Uncertain significance. Review status: criteria provided, multiple submitters, no conflicts (2 of 4 stars). 2 submissions from 2 submitters: Uncertain significance (2). Last evaluated 2026-01-01.

Submissions (2):

CeGaT Center for Human Genetics Tuebingen
Classification: Uncertain significance. Last evaluated: 2026-01-01. Review status: criteria provided, single submitter. Criteria: CeGaT Center For Human Genetics Tuebingen Variant Classification Criteria Version 2. Collection method: clinical testing. Allele origin: germline. Affected: yes. Observed: 1 variant allele.
Comment: FAT2: PM2, PP2, BP4

Labcorp Genetics (formerly Invitae), Labcorp
Classification: Uncertain significance. Last evaluated: 2025-01-28. Review status: criteria provided, single submitter. Criteria: Invitae Variant Classification Sherloc (09022015). Collection method: clinical testing. Allele origin: germline.
Comment: This sequence change replaces valine, which is neutral and non-polar, with leucine, which is neutral and non-polar, at codon 666 of the FAT2 protein (p.Val666Leu). This variant is not present in population databases (gnomAD no frequency). This variant has not been reported in the literature in individuals affected with FAT2-related conditions. An algorithm developed to predict the effect of missense changes on protein structure and function (PolyPhen-2) suggests that this variant is likely to be tolerated. In summary, the available evidence is currently insufficient to determine the role of this variant in disease. Therefore, it has been classified as a Variant of Uncertain Significance.

NM_001447.3(FAT2):c.1996G>C (p.Val666Leu)

Gene: FAT2 (FAT atypical cadherin 2; minus strand). Cytogenetic location: 5q33.1.
Variant type: single nucleotide variant.
Coding change: c.1996G>C on transcript NM_001447.3 (MANE Select); coding-DNA position 1996, G replaced by C.
Protein change: p.Val666Leu; replaces valine 666 with leucine.
Molecular consequence: missense variant.
Genome position (GRCh38, 1-based): chr5:151,566,936, C>G on the plus strand (G>C on the coding strand, the complement: FAT2 is on the minus strand). VCF-style: chr5-151566936-C-G. GRCh37 (hg19) VCF-style: chr5-150946497-C-G.
Other names: short protein forms V666L.
Identifiers: ClinVar variation 3729307 (VCV003729307.6).